The following is an entry in ClinVar:

ClinVar aggregate classification (germline): Uncertain significance. Review status: criteria provided, multiple submitters, no conflicts (2 of 4 stars). 3 submissions from 3 submitters: Uncertain significance (3). Last evaluated 2022-07-06.

Conditions:
Neuronal ceroid lipofuscinosis. Also called: Neuronal Ceroid Lipofuscinoses. Identifiers: Orphanet 216, Orphanet 79263, MedGen C0027877, MONDO:0016295. Disease mechanism: loss of function.
Neuronal ceroid lipofuscinosis 3 (CLN3). Identifiers: Orphanet 228346, MedGen C0751383, MONDO:0008767, OMIM 204200.

Allele frequency attached by ClinVar (database versions not stated): ExAC 0.00001; gnomAD exomes 0.00002; TOPMed 0.00008.
gnomAD v4.1: 18 of 1,613,550 alleles (0.0011%); highest among the groups gnomAD compares: African/African-American, 0.0094%; no homozygotes.

Submissions (3):

Labcorp Genetics (formerly Invitae), Labcorp
Classification: Uncertain significance for Neuronal ceroid lipofuscinosis. Last evaluated: 2022-07-06. Review status: criteria provided, single submitter. Criteria: Invitae Variant Classification Sherloc (09022015). Collection method: clinical testing. Allele origin: germline.
Comment: This sequence change replaces arginine, which is basic and polar, with glutamine, which is neutral and polar, at codon 127 of the CLN3 protein (p.Arg127Gln). This variant is present in population databases (rs780776829, gnomAD 0.01%). This variant has not been reported in the literature in individuals affected with CLN3-related conditions. ClinVar contains an entry for this variant (Variation ID: 205108). Algorithms developed to predict the effect of missense changes on protein structure and function (SIFT, PolyPhen-2, Align-GVGD) all suggest that this variant is likely to be disruptive. Algorithms developed to predict the effect of sequence changes on RNA splicing suggest that this variant may create or strengthen a splice site. In summary, the available evidence is currently insufficient to determine the role of this variant in disease. Therefore, it has been classified as a Variant of Uncertain Significance.

Genome-Nilou Lab
Classification: Uncertain significance for Neuronal ceroid lipofuscinosis 3. Last evaluated: 2021-09-05. Review status: criteria provided, single submitter. Criteria: ACMG Guidelines, 2015. Collection method: clinical testing. Allele origin: germline. Affected: no.

GeneDx
Classification: Uncertain significance. Last evaluated: 2014-12-19. Review status: criteria provided, single submitter. Criteria: GeneDx Variant Classification (06012015). Collection method: clinical testing. Allele origin: germline. Affected: yes.
Comment: p.Arg127Gln (CGG>CAG): c.380 G>A in exon 7 of the CLN3 gene (NM_001042432.1). The c.380 G>A variant has not been published as a mutation, nor has it been reported as a benign polymorphism to our knowledge. It was not observed in approximately 6,500 individuals of European and African American ancestry, indicating it is not a common benign variant in these populations. In-silico predicts that c.380 G>A may create a cryptic splice acceptor site in exon 7 which may supplant the natural acceptor site and lead to abnormal gene splicing; however, in the absence of RNA/functional studies the actual effect of c.380 G>A on splicing is unknown. If c.380 G>A does not alter splicing, it will result in the R127Q missense change, which is a semi-conservative amino acid substitution, which may impact secondary protein structure as these residues differ in some properties. This substitution occurs at a position that is highly conserved across species, and a missense mutation in a nearby residue (C134R) has been reported in association with neuronal ceroid lipofuscinosis. Additionally, in silico analysis predicts this variant is probably damaging to the protein structure/function. Therefore, based on the currently available information, it is unclear whether this variant is a pathogenic mutation or a rare benign variant. The variant is found in CHILD-EPI panel(s).

NM_001042432.2(CLN3):c.380G>A (p.Arg127Gln)

Gene: CLN3 (CLN3 lysosomal/endosomal transmembrane protein, battenin; minus strand). Cytogenetic location: 16p12.1.
Variant type: single nucleotide variant.
Coding change: c.380G>A on transcript NM_001042432.2 (MANE Select); coding-DNA position 380, G replaced by A.
Protein change: p.Arg127Gln; replaces arginine 127 with glutamine.
Molecular consequence: missense variant.
Genome position (GRCh38, 1-based): chr16:28,487,536, C>T on the plus strand (G>A on the coding strand, the complement: CLN3 is on the minus strand). VCF-style: chr16-28487536-C-T. GRCh37 (hg19) VCF-style: chr16-28498857-C-T.
Other names: p.R127Q:CGG>CAG; c.380G>A, p.Arg127Gln (NM_000086.2); c.308G>A, p.Arg103Gln (NM_001286104.2); c.80G>A, p.Arg27Gln (NM_001286105.2); c.146G>A, p.Arg49Gln (NM_001286109.2); c.218G>A, p.Arg73Gln (NM_001286110.2); short protein forms R127Q, R49Q, R103Q, R27Q, R73Q.
Identifiers: ClinVar variation 205108 (VCV000205108.8), dbSNP rs780776829, ClinGen allele CA313788.